The following is an entry in ClinVar:

NM_001040142.2(SCN2A):c.2497C>T (p.Leu833Phe)

Gene: SCN2A (sodium voltage-gated channel alpha subunit 2; plus strand). Cytogenetic location: 2q24.3.
Variant type: single nucleotide variant.
Coding change: c.2497C>T on transcript NM_001040142.2 (MANE Select); coding-DNA position 2497, C replaced by T.
Protein change: p.Leu833Phe; replaces leucine 833 with phenylalanine.
Molecular consequence: missense variant.
Genome position (GRCh38, 1-based): chr2:165,342,404, C>T. VCF-style: chr2-165342404-C-T. GRCh37 (hg19) VCF-style: chr2-166198914-C-T.
Other names: c.2497C>T, p.Leu833Phe (NM_001040143.2, NM_001371246.1, NM_001371247.1 and 1 more transcripts); short protein forms L833F.
Identifiers: ClinVar variation 3774777 (VCV003774777.1).

ClinVar aggregate classification (germline): Uncertain significance (1 of 4 stars; one submission).

Submission:

GeneDx
Classification: Uncertain significance. Last evaluated: 2024-09-30. Review status: criteria provided, single submitter. Criteria: GeneDx Variant Classification Process June 2021. Collection method: clinical testing. Allele origin: germline. Affected: yes.
Comment: Not observed at significant frequency in large population cohorts (gnomAD); In silico analysis supports that this missense variant has a deleterious effect on protein structure/function; Has not been previously published as pathogenic or benign to our knowledge; This substitution is predicted to be within the transmembrane segment S3 of the second homologous domain